The following is an entry in ClinVar:

NM_000525.4(KCNJ11):c.406C>T (p.Arg136Cys)

Gene: KCNJ11 (potassium inwardly rectifying channel subfamily J member 11; minus strand). Cytogenetic location: 11p15.1.
Variant type: single nucleotide variant.
Coding change: c.406C>T on transcript NM_000525.4 (MANE Select); coding-DNA position 406, C replaced by T.
Protein change: p.Arg136Cys; replaces arginine 136 with cysteine.
Molecular consequence: missense variant.
Genome position (GRCh38, 1-based): chr11:17,387,686, G>A on the plus strand (C>T on the coding strand, the complement: KCNJ11 is on the minus strand). VCF-style: chr11-17387686-G-A. GRCh37 (hg19) VCF-style: chr11-17409233-G-A.
Other names: c.145C>T, p.Arg49Cys (NM_001166290.2, NM_001377296.1, NM_001377297.1); short protein forms R136C, R49C.
Identifiers: ClinVar variation 435558 (VCV000435558.14), dbSNP rs766891274, ClinGen allele CA5902293.

ClinVar aggregate classification (germline): Pathogenic/Likely pathogenic. Review status: criteria provided, multiple submitters, no conflicts (2 of 4 stars). 4 submissions from 4 submitters: Pathogenic (2); Likely pathogenic (2). Last evaluated 2025-09-15.

Conditions:
Type 2 diabetes mellitus. Also called: Type II diabetes mellitus. Identifiers: MedGen C0011860, MeSH D003924, MONDO:0005148, OMIM 125853, HP:0005978.
Maturity-onset diabetes of the young type 13. Also called: MODY, TYPE 13. Identifiers: Orphanet 552, MedGen C4225365, MONDO:0014589, OMIM 616329.
Diabetes mellitus, permanent neonatal 2. Also called: KCNJ11-Related Permanent Neonatal Diabetes Mellitus. Identifiers: MedGen C5394296, MONDO:0030087, OMIM 618856.
Diabetes mellitus, transient neonatal, 3 (TNDM3). Identifiers: Orphanet 99886, MedGen C1864623, MONDO:0012522, OMIM 610582. Disease mechanism: loss of function.
Hyperinsulinemic hypoglycemia, familial, 2. Also called: HYPERINSULINEMIC HYPOGLYCEMIA, PERSISTENT; HYPERINSULINISM, NEONATAL. Identifiers: Orphanet 276580, Orphanet 276603, MedGen C2931833, MONDO:0011153, OMIM 601820. Disease mechanism: loss of function.
Permanent neonatal diabetes mellitus (PNDM). Identifiers: Orphanet 99885, MedGen C1833104, MONDO:0100164, MONDO:0011643. Disease mechanism: gain of function.

Allele frequency attached by ClinVar (database versions not stated): gnomAD exomes below 0.00001; TOPMed below 0.00001; ExAC 0.00001; gnomAD 0.00001.

Submissions (4):

Natera, Inc.
Classification: Likely pathogenic for Permanent neonatal diabetes mellitus. Last evaluated: 2025-09-15. Review status: criteria provided, single submitter. Criteria: Natera Variant Classification Schema (03/2026). Collection method: clinical testing. Allele origin: germline.
Comment: The c.406C>T variant in KCNJ11 is a missense variant predicted to cause substitution of arginine to cysteine at amino acid 136. This variant is rare in the general population with a frequency below the threshold expected for the associated phenotype(s). This variant has been observed in affected individual(s) with monoallelic occurrence (heterozygous/hemizygous) (PMID: 20685672, 34465386). A different variant at the same position has been determined to be Pathogenic or Likely Pathogenic. Computational prediction algorithms indicate this variant is likely to affect gene or protein function. Given the available evidence, this variant is classified as Likely Pathogenic.

Fulgent Genetics
Classification: Likely pathogenic for Type 2 diabetes mellitus; Hyperinsulinemic hypoglycemia, familial, 2; Diabetes mellitus, transient neonatal, 3; Maturity-onset diabetes of the young type 13; Diabetes mellitus, permanent neonatal 2. Last evaluated: 2024-01-26. Review status: criteria provided, single submitter. Criteria: ACMG Guidelines, 2015. Collection method: clinical testing. Allele origin: germline.

Labcorp Genetics (formerly Invitae), Labcorp
Classification: Pathogenic. Last evaluated: 2023-12-21. Review status: criteria provided, single submitter. Criteria: Invitae Variant Classification Sherloc (09022015). Collection method: clinical testing. Allele origin: germline.
Comment: This sequence change replaces arginine, which is basic and polar, with cysteine, which is neutral and slightly polar, at codon 136 of the KCNJ11 protein (p.Arg136Cys). This variant is present in population databases (rs766891274, gnomAD 0.004%). This missense change has been observed in individual(s) with autosomal recessive congenital hyperinsulinism (PMID: 21422196). In at least one individual the data is consistent with being in trans (on the opposite chromosome) from a pathogenic variant. ClinVar contains an entry for this variant (Variation ID: 435558). Advanced modeling of protein sequence and biophysical properties (such as structural, functional, and spatial information, amino acid conservation, physicochemical variation, residue mobility, and thermodynamic stability) performed at Invitae indicates that this missense variant is expected to disrupt KCNJ11 protein function with a positive predictive value of 95%. This variant disrupts the p.Arg136 amino acid residue in KCNJ11. Other variant(s) that disrupt this residue have been determined to be pathogenic (PMID: 20686794, 28442472). This suggests that this residue is clinically significant, and that variants that disrupt this residue are likely to be disease-causing. For these reasons, this variant has been classified as Pathogenic.

Genetic Services Laboratory, University of Chicago
Classification: Pathogenic for Hyperinsulinemic hypoglycemia, familial, 2. Last evaluated: 2016-03-01. Review status: criteria provided, single submitter. Criteria: ACMG Guidelines, 2015. Collection method: clinical testing. Allele origin: germline. Affected: yes.

Literature cited by the submitters: PubMed 20685672 (cited by Natera, Inc.); PubMed 34465386 (cited by Natera, Inc.); PubMed 21422196 (cited by Labcorp Genetics (formerly Invitae), Labcorp); PubMed 20686794 (cited by Labcorp Genetics (formerly Invitae), Labcorp); PubMed 28442472 (cited by Labcorp Genetics (formerly Invitae), Labcorp).